The following is an entry in ClinVar:

NM_153717.3(EVC):c.2686C>T (p.Gln896Ter)

Gene: EVC (EvC ciliary complex subunit 1; plus strand). Cytogenetic location: 4p16.2.
Variant type: single nucleotide variant.
Coding change: c.2686C>T on transcript NM_153717.3 (MANE Select); coding-DNA position 2686, C replaced by T.
Protein change: p.Gln896Ter; replaces glutamine 896 with a stop codon.
Molecular consequence: nonsense.
Genome position (GRCh38, 1-based): chr4:5,808,325, C>T. VCF-style: chr4-5808325-C-T. GRCh37 (hg19) VCF-style: chr4-5810052-C-T.
Other names: c.2686C>T, p.Gln896Ter (NM_001306090.2); short protein forms Q896*.
Identifiers: ClinVar variation 1984753 (VCV001984753.4), dbSNP rs1326731095, ClinGen allele CA356151328.

ClinVar aggregate classification (germline): Pathogenic (1 of 4 stars; one submission).

Conditions:
Curry-Hall syndrome (WAD). Also called: WEYERS ACRODENTAL DYSOSTOSIS. Identifiers: Orphanet 952, MedGen C0457013, MONDO:0008673, OMIM 193530.
Ellis-van Creveld syndrome (EVC). Also called: Chondroectodermal dysplasia; MESOECTODERMAL DYSPLASIA; EVC-Related Ellis-van Creveld Syndrome; EVC2-Related Ellis-van Creveld Syndrome. Identifiers: Orphanet 289, MedGen C0013903, MONDO:0009162, OMIM 225500.

Allele frequency attached by ClinVar (database versions not stated): gnomAD exomes below 0.00001; gnomAD 0.00001; TOPMed 0.00001.
gnomAD v4.1: 3 of 1,614,102 alleles (0.00019%); highest among the groups gnomAD compares: Admixed American, 0.0017%; no homozygotes.

Submission:

Labcorp Genetics (formerly Invitae), Labcorp
Classification: Pathogenic for Curry-Hall syndrome; Ellis-van Creveld syndrome. Last evaluated: 2022-07-04. Review status: criteria provided, single submitter. Criteria: Invitae Variant Classification Sherloc (09022015). Collection method: clinical testing. Allele origin: germline.
Comment: For these reasons, this variant has been classified as Pathogenic. Algorithms developed to predict the effect of sequence changes on RNA splicing suggest that this variant may disrupt the consensus splice site. This variant has not been reported in the literature in individuals affected with EVC-related conditions. This variant is not present in population databases (gnomAD no frequency). This sequence change creates a premature translational stop signal (p.Gln896*) in the EVC gene. It is expected to result in an absent or disrupted protein product. Loss-of-function variants in EVC are known to be pathogenic (PMID: 23220543).

Literature cited by the submitters: PubMed 23220543.